The following is an entry in ClinVar:

NM_005257.6(GATA6):c.682G>A (p.Ala228Thr)

Gene: GATA6 (GATA binding protein 6; plus strand). Cytogenetic location: 18q11.2.
Variant type: single nucleotide variant.
Coding change: c.682G>A on transcript NM_005257.6 (MANE Select); coding-DNA position 682, G replaced by A.
Protein change: p.Ala228Thr; replaces alanine 228 with threonine.
Molecular consequence: missense variant.
Genome position (GRCh38, 1-based): chr18:22,171,826, G>A. VCF-style: chr18-22171826-G-A. GRCh37 (hg19) VCF-style: chr18-19751787-G-A.
Other names: short protein forms A228T.
Identifiers: ClinVar variation 2768735 (VCV002768735.3), dbSNP rs2510626115, ClinGen allele CA401800486.

ClinVar aggregate classification (germline): Uncertain significance (1 of 4 stars; one submission).

Conditions:
Atrioventricular septal defect 5 (AVSD5). Identifiers: MedGen C3280939, MONDO:0013769, OMIM 614474.

Submission:

Labcorp Genetics (formerly Invitae), Labcorp
Classification: Uncertain significance for Atrioventricular septal defect 5. Last evaluated: 2023-10-23. Review status: criteria provided, single submitter. Criteria: Invitae Variant Classification Sherloc (09022015). Collection method: clinical testing. Allele origin: germline.
Comment: This sequence change replaces alanine, which is neutral and non-polar, with threonine, which is neutral and polar, at codon 228 of the GATA6 protein (p.Ala228Thr). This variant is not present in population databases (gnomAD no frequency). This variant has not been reported in the literature in individuals affected with GATA6-related conditions. Advanced modeling of protein sequence and biophysical properties (such as structural, functional, and spatial information, amino acid conservation, physicochemical variation, residue mobility, and thermodynamic stability) performed at Invitae indicates that this missense variant is not expected to disrupt GATA6 protein function. In summary, the available evidence is currently insufficient to determine the role of this variant in disease. Therefore, it has been classified as a Variant of Uncertain Significance.